The following is an entry in ClinVar:

ClinVar aggregate classification (germline): Conflicting classifications of pathogenicity. Review status: criteria provided, conflicting classifications (1 of 4 stars). 4 submissions from 4 submitters: Pathogenic (1); Uncertain significance (1). 2 of the submissions do not count toward it. Last evaluated 2025-09-26.

Conditions:
Autosomal recessive nonsyndromic hearing loss 89. Also called: Deafness, autosomal recessive 89. Identifiers: Orphanet 90636, MedGen C3151351, MONDO:0013489, OMIM 613916.

Allele frequency attached by ClinVar (database versions not stated): gnomAD exomes 0.00001; TOPMed 0.00001; gnomAD 0.00001.
gnomAD v4.1: 14 of 1,614,004 alleles (0.00087%); highest among the groups gnomAD compares: South Asian, 0.0022%; no homozygotes.

Submissions (4):

Women's Health and Genetics/Laboratory Corporation of America, LabCorp
Classification: Pathogenic for Autosomal recessive nonsyndromic hearing loss 89. Last evaluated: 2025-09-26. Review status: criteria provided, single submitter. Criteria: LabCorp Variant Classification Summary - May 2015. Collection method: clinical testing. Allele origin: germline.
Comment: Variant summary: KARS1 c.1129G>A (p.Asp377Asn) results in a conservative amino acid change in the encoded protein sequence. Algorithms developed to predict the effect of missense changes on protein structure and function are either unavailable or do not agree on the potential impact of this missense change. The variant allele was found at a frequency of 8.7e-06 in 1614004 control chromosomes. This frequency is not significantly higher than estimated for disease-causing variants in KARS1, allowing no conclusion about variant significance. c.1129G>A has been observed in the homozygous state in multiple related individuals affected with Autosomal recessive nonsyndromic hearing loss 89 (Santos-Cortez_2013). These data indicate that the variant is very likely to be associated with disease. The following publication has been ascertained in the context of this evaluation (PMID: 23768514). ClinVar contains an entry for this variant (Variation ID: 60753). Based on the evidence outlined above, the variant was classified as pathogenic.

GeneDx
Classification: Uncertain significance. Last evaluated: 2019-06-12. Review status: criteria provided, single submitter. Criteria: GeneDx Variant Classification Process June 2021. Collection method: clinical testing. Allele origin: germline. Affected: yes.
Comment: In silico analysis, which includes protein predictors and evolutionary conservation, supports a deleterious effect; This variant is associated with the following publications: (PMID: 24824130, 21181198, 23768514)

Department of Molecular and Human Genetics, Baylor College of Medicine
Classification: Pathogenic for Deafness autosomal recessive 89; DFNB89. Last evaluated: 2014-01-17. Review status: no assertion criteria provided. Collection method: research. Allele origin: germline. Affected: yes. Not counted in ClinVar's aggregate classification.

OMIM
Classification: Pathogenic for DEAFNESS, AUTOSOMAL RECESSIVE 89. Last evaluated: 2013-07-11. Review status: no assertion criteria provided. Collection method: literature only. Allele origin: germline. Not counted in ClinVar's aggregate classification.

Literature cited by the submitters: PubMed 23768514 (cited by Women's Health and Genetics/Laboratory Corporation of America, LabCorp and Department of Molecular and Human Genetics, Baylor College of Medicine); PubMed 24824130 (cited by Department of Molecular and Human Genetics, Baylor College of Medicine); PubMed 21181198 (cited by OMIM); Santos-Cortez, R. L. P., Lee, K., Azeem, Z., Antonellis, P. J., Pollock, L. M., Khan, S., Irfanullah, Andrade-Elizondo, P. B., Chiu, I., Adams, M. D., Basit, S., Smith, J. D., University of Washington Center for Mendelian Genomics, Nickerson, D. A., McDermott, B. M., Jr., Ahmad, W., Leal, S. M. Mutations in KARS, encoding lysyl-tRNA synthetase, cause autosomal-recessive nonsyndromic hearing impairment DFNB89. Am. J. Hum. Genet. 93: 132-140, 2013. (cited by OMIM).

NM_005548.3(KARS1):c.1045G>A (p.Asp349Asn)

Gene: KARS1 (lysyl-tRNA synthetase 1; minus strand). Cytogenetic location: 16q23.1.
Variant type: single nucleotide variant.
Coding change: c.1045G>A on transcript NM_005548.3 (MANE Select); coding-DNA position 1045, G replaced by A.
Protein change: p.Asp349Asn; replaces aspartic acid 349 with asparagine.
Molecular consequence: missense variant.
Genome position (GRCh38, 1-based): chr16:75,631,726, C>T on the plus strand (G>A on the coding strand, the complement: KARS1 is on the minus strand). VCF-style: chr16-75631726-C-T. GRCh37 (hg19) VCF-style: chr16-75665624-C-T.
Other names: c.1129G>A, p.Asp377Asn (NM_001130089.2); c.577G>A, p.Asp193Asn (NM_001378148.1); short protein forms D377N, D349N, D193N.
Identifiers: ClinVar variation 60753 (VCV000060753.7), dbSNP rs397514746, ClinGen allele CA144651.
Genomic context (GRCh38, chr16:75,631,726, plus strand): 5'-ATGAGTATGAGAGAGAGCAGGAGTCACCTGAAACCATCTTCTCCGTGATTTCCATGAGAT[C>T]GTGATAGTCTGCATAGGCCATGTAGAACTCACAGGTGGTGAACTCAGGATTGTGCGTCAA-3'
Protein context (NP_005539.1, residues 339-359): EFYMAYADYH[Asp349Asn]LMEITEKMVS